The following is an entry in ClinVar:

NM_002335.4(LRP5):c.2372T>C (p.Met791Thr)

Gene: LRP5 (LDL receptor related protein 5; plus strand). Cytogenetic location: 11q13.2.
Variant type: single nucleotide variant.
Coding change: c.2372T>C on transcript NM_002335.4 (MANE Select); coding-DNA position 2372, T replaced by C.
Protein change: p.Met791Thr; replaces methionine 791 with threonine.
Molecular consequence: missense variant.
Genome position (GRCh38, 1-based): chr11:68,411,489, T>C. VCF-style: chr11-68411489-T-C. GRCh37 (hg19) VCF-style: chr11-68178957-T-C.
Other names: c.629T>C, p.Met210Thr (NM_001291902.2); short protein forms M210T, M791T.
Identifiers: ClinVar variation 1420538 (VCV001420538.6), dbSNP rs776734260, ClinGen allele CA6149618.

ClinVar aggregate classification (germline): Uncertain significance (1 of 4 stars; one submission).

Allele frequency attached by ClinVar (database versions not stated): TOPMed below 0.00001; ExAC 0.00001; gnomAD exomes 0.00001.
gnomAD v4.1: 21 of 1,613,580 alleles (0.0013%); highest among the groups gnomAD compares: Non-Finnish European, 0.0017%; no homozygotes.

Submission:

Labcorp Genetics (formerly Invitae), Labcorp
Classification: Uncertain significance. Last evaluated: 2021-10-12. Review status: criteria provided, single submitter. Criteria: Invitae Variant Classification Sherloc (09022015). Collection method: clinical testing. Allele origin: germline.
Comment: Advanced modeling of protein sequence and biophysical properties (such as structural, functional, and spatial information, amino acid conservation, physicochemical variation, residue mobility, and thermodynamic stability) performed at Invitae indicates that this missense variant is expected to disrupt LRP5 protein function. In summary, the available evidence is currently insufficient to determine the role of this variant in disease. Therefore, it has been classified as a Variant of Uncertain Significance. This variant has not been reported in the literature in individuals affected with LRP5-related conditions. This variant is present in population databases (rs776734260, ExAC 0.002%). This sequence change replaces methionine with threonine at codon 791 of the LRP5 protein (p.Met791Thr). The methionine residue is highly conserved and there is a moderate physicochemical difference between methionine and threonine.